The following is an entry in ClinVar:

NM_006035.4(CDC42BPB):c.4471A>G (p.Thr1491Ala)

Gene: CDC42BPB (CDC42 binding protein kinase beta; minus strand). Cytogenetic location: 14q32.32.
Variant type: single nucleotide variant.
Coding change: c.4471A>G on transcript NM_006035.4 (MANE Select); coding-DNA position 4471, A replaced by G.
Protein change: p.Thr1491Ala; replaces threonine 1491 with alanine.
Molecular consequence: missense variant.
Genome position (GRCh38, 1-based): chr14:102,940,262, T>C on the plus strand (A>G on the coding strand, the complement: CDC42BPB is on the minus strand). VCF-style: chr14-102940262-T-C. GRCh37 (hg19) VCF-style: chr14-103406599-T-C.
Other names: NM_006035.4:c.4471A>G; c.4393A>G, p.Thr1465Ala (NM_001411054.1); short protein forms T1465A, T1491A.
Identifiers: ClinVar variation 3061810 (VCV003061810.1), dbSNP rs1260441132, ClinGen allele CA391073508.
Genomic context (GRCh38, chr14:102,940,262, plus strand): 5'-CAGGAGGGCACCGAGGCCGCCTTACCCTCCGCAGGCCGATGGTCTGCACCCACTCCATGG[T>C]GCGCACATCAAAGACGTCCACGCCATACTCGCTGTACACCGTGACGTGGGTGGGGCTGCA-3'
Protein context (NP_006026.3, residues 1481-1501): EYGVDVFDVR[Thr1491Ala]MEWVQTIGLR

ClinVar aggregate classification (germline): Uncertain significance (1 of 4 stars; one submission).

Conditions:
Neurodevelopmental disorder. Identifiers: MedGen C1535926, MeSH D065886, MONDO:0700092.

Allele frequency attached by ClinVar (database versions not stated): gnomAD exomes below 0.00001.
gnomAD v4.1: 1 of 1,598,282 alleles (0.000063%); highest among the groups gnomAD compares: Non-Finnish European, 0.000085%; no homozygotes.

Submission:

Broad Center for Mendelian Genomics, Broad Institute of MIT and Harvard
Classification: Uncertain significance for Neurodevelopmental disorder. Last evaluated: 2024-03-12. Review status: criteria provided, single submitter. Criteria: ACMG Guidelines, 2015. Collection method: curation. Allele origin: germline. Inheritance: Autosomal dominant inheritance.
Comment: The heterozygous p.Thr1491Ala variant in CDC42BPB was identified by our study in four family members with ptosis, via a collaborative study between the Broad Institute's Center for Mendelian Genomics and the Engle lab. We believe this is a possible phenotype expansion for Chilton-Okue-Chung neurodevelopmental disorder. The p.Thr1491Ala variant in CDC42BPB has not been previously reported in individuals with Chilton-Okur-Chung neurodevelopmental disorder. This variant was absent from large population studies. Computational prediction tools, including splice predictors, and conservation analyses suggest that this variant may not impact the protein, though this information is not predictive enough to rule out pathogenicity. In summary, the clinical significance of the p.Thr1491Ala variant is uncertain. ACMG/AMP Criteria applied: PP1, PM2_Supporting, BP4 (Richards 2015).

Literature cited by the submitters: PubMed 39033378.